The following is an entry in ClinVar:

ClinVar aggregate classification (germline): Benign (1 of 4 stars; one submission).

Allele frequency attached by ClinVar (database versions not stated): 1000 Genomes Project 30x 0.02748; 1000 Genomes Project 0.02855; gnomAD 0.03845 and 0.03903; TOPMed 0.04025.
gnomAD v4.1: 5,952 of 152,256 alleles (3.9%); highest among the groups gnomAD compares: Middle Eastern, 8.5%; 185 homozygotes.

Submission:

GeneDx
Classification: Benign. Last evaluated: 2018-06-14. Review status: criteria provided, single submitter. Criteria: GeneDx Variant Classification (06012015). Collection method: clinical testing. Allele origin: germline. Affected: yes.
Comment: This variant is considered likely benign or benign based on one or more of the following criteria: it is a conservative change, it occurs at a poorly conserved position in the protein, it is predicted to be benign by multiple in silico algorithms, and/or has population frequency not consistent with disease.

NM_006073.4(TRDN):c.23-227G>T

Gene: TRDN (triadin; minus strand). Cytogenetic location: 6q22.31.
Variant type: single nucleotide variant.
Coding change: c.23-227G>T on transcript NM_006073.4 (MANE Select); 227 bases into the intron before coding-DNA position 23, G replaced by T.
Molecular consequence: intron variant.
Genome position (GRCh38, 1-based): chr6:123,571,359, C>A on the plus strand (G>T on the coding strand, the complement: TRDN is on the minus strand). VCF-style: chr6-123571359-C-A. GRCh37 (hg19) VCF-style: chr6-123892504-C-A.
Other names: c.23-227G>T (NM_001251987.2, NM_001256020.2, NM_001256021.2 and 1 more transcripts).
Identifiers: ClinVar variation 678654 (VCV000678654.1), dbSNP rs74411605, ClinGen allele CA12334564.